The following continues an entry in ClinVar:

NM_000157.4(GBA1):c.535G>C (p.Asp179His)

ClinVar aggregate classification (germline): Conflicting classifications of pathogenicity. Likely pathogenic (1); Uncertain significance (7).

Submission 8 of 8:

Broad Center for Mendelian Genomics, Broad Institute of MIT and Harvard
Classification: Uncertain significance for Gaucher disease. Last evaluated: 2020-01-14. Review status: criteria provided, single submitter. Criteria: ACMG Guidelines, 2015. Collection method: curation. Allele origin: germline. Inheritance: Autosomal recessive inheritance.
Comment: The p.Asp179His variant in GBA has been reported in at least 3 individuals with Gaucher disease (PMID: 22350617, 22623374, 10079102) and has been identified in 0.027% (35/128762) of European (non-Finnish) chromosomes, including 1 homozygote, by the Genome Aggregation Database (gnomAD; dbSNP rs147138516). Although this variant has been seen in the general population, its frequency is not high enough to rule out a pathogenic role. This variant has also been reported in ClinVar (VariationID: 242811) as likely pathogenic by Integrated Genetics and as a VUS by Praxis fuer Humangenetik Tuebingen. In vitro functional studies provide some evidence that the p.Asp179His variant may not impact protein function (PMID: 21831682, 10079102). However, these types of assays may not accurately represent biological function. Computational prediction tools and conservation analyses do not provide strong support for or against an impact to the protein. The presence of this variant in combination with a reported pathogenic variant and in an individual with Gaucher disease increases the likelihood that the p.Asp179His variant is pathogenic (VariationID: 4297; PMID: 22350617). In summary, the clinical significance of this variant is uncertain. ACMG/AMP Criteria applied: BS3_supporting, PM3_supporting (Richards 2015).

Literature cited by the submitters: PubMed 10079102 (cited by 4 submitters); PubMed 12595585 (cited by Mayo Clinic Laboratories, Mayo Clinic and Women's Health and Genetics/Laboratory Corporation of America, LabCorp); PubMed 15916907 (cited by Mayo Clinic Laboratories, Mayo Clinic and Women's Health and Genetics/Laboratory Corporation of America, LabCorp); PubMed 18160322 (cited by Mayo Clinic Laboratories, Mayo Clinic and Women's Health and Genetics/Laboratory Corporation of America, LabCorp); PubMed 18338393 (cited by Mayo Clinic Laboratories, Mayo Clinic and Women's Health and Genetics/Laboratory Corporation of America, LabCorp); PubMed 1864608 (cited by 3 submitters); PubMed 20947659 (cited by Mayo Clinic Laboratories, Mayo Clinic and Women's Health and Genetics/Laboratory Corporation of America, LabCorp); PubMed 21796727 (cited by Mayo Clinic Laboratories, Mayo Clinic and Women's Health and Genetics/Laboratory Corporation of America, LabCorp); PubMed 21831682 (cited by 3 submitters); PubMed 22118943 (cited by Mayo Clinic Laboratories, Mayo Clinic and Women's Health and Genetics/Laboratory Corporation of America, LabCorp); PubMed 22350617 (cited by Mayo Clinic Laboratories, Mayo Clinic and Broad Center for Mendelian Genomics, Broad Institute of MIT and Harvard); PubMed 22623374 (cited by 3 submitters); PubMed 22884962 (cited by Mayo Clinic Laboratories, Mayo Clinic and Women's Health and Genetics/Laboratory Corporation of America, LabCorp); PubMed 23035075 (cited by Mayo Clinic Laboratories, Mayo Clinic and Women's Health and Genetics/Laboratory Corporation of America, LabCorp); PubMed 23588557 (cited by Mayo Clinic Laboratories, Mayo Clinic and Women's Health and Genetics/Laboratory Corporation of America, LabCorp); PubMed 26296077 (cited by Mayo Clinic Laboratories, Mayo Clinic and Women's Health and Genetics/Laboratory Corporation of America, LabCorp); PubMed 27397011 (cited by Mayo Clinic Laboratories, Mayo Clinic and Women's Health and Genetics/Laboratory Corporation of America, LabCorp); PubMed 27717005 (cited by Mayo Clinic Laboratories, Mayo Clinic and Women's Health and Genetics/Laboratory Corporation of America, LabCorp); PubMed 28749476 (cited by Mayo Clinic Laboratories, Mayo Clinic and Women's Health and Genetics/Laboratory Corporation of America, LabCorp); PubMed 29948939 (cited by Mayo Clinic Laboratories, Mayo Clinic and Women's Health and Genetics/Laboratory Corporation of America, LabCorp); PubMed 30777654 (cited by Mayo Clinic Laboratories, Mayo Clinic and Women's Health and Genetics/Laboratory Corporation of America, LabCorp); PubMed 31809948 (cited by Mayo Clinic Laboratories, Mayo Clinic); PubMed 32618053 (cited by Mayo Clinic Laboratories, Mayo Clinic and Women's Health and Genetics/Laboratory Corporation of America, LabCorp); PubMed 34017912 (cited by Mayo Clinic Laboratories, Mayo Clinic and Women's Health and Genetics/Laboratory Corporation of America, LabCorp); PubMed 35639160 (cited by Mayo Clinic Laboratories, Mayo Clinic); PubMed 36598340 (cited by Mayo Clinic Laboratories, Mayo Clinic and Victorian Clinical Genetics Services, Murdoch Childrens Research Institute); PubMed 37152446 (cited by Mayo Clinic Laboratories, Mayo Clinic); PubMed 37312046 (cited by Mayo Clinic Laboratories, Mayo Clinic); PubMed 37748026 (cited by Mayo Clinic Laboratories, Mayo Clinic); PubMed 38191580 (cited by Mayo Clinic Laboratories, Mayo Clinic); PubMed 39766872 (cited by Mayo Clinic Laboratories, Mayo Clinic); PubMed 40506446 (cited by Mayo Clinic Laboratories, Mayo Clinic); PubMed 20301446 (cited by Victorian Clinical Genetics Services, Murdoch Childrens Research Institute); PubMed 31010158 (cited by Victorian Clinical Genetics Services, Murdoch Childrens Research Institute); PubMed 28944235 (cited by Women's Health and Genetics/Laboratory Corporation of America, LabCorp); PubMed 32404250 (cited by Women's Health and Genetics/Laboratory Corporation of America, LabCorp); PubMed 34450264 (cited by Women's Health and Genetics/Laboratory Corporation of America, LabCorp); PubMed 33420335 (cited by Women's Health and Genetics/Laboratory Corporation of America, LabCorp).